The following is an entry in ClinVar:

ClinVar aggregate classification (germline): Uncertain significance (1 of 4 stars; one submission).

Submission:

Labcorp Genetics (formerly Invitae), Labcorp
Classification: Uncertain significance. Last evaluated: 2024-04-11. Review status: criteria provided, single submitter. Criteria: Invitae Variant Classification Sherloc (09022015). Collection method: clinical testing. Allele origin: germline.
Comment: This sequence change replaces glutamine, which is neutral and polar, with leucine, which is neutral and non-polar, at codon 1132 of the MSH3 protein (p.Gln1132Leu). This variant is not present in population databases (gnomAD no frequency). This variant has not been reported in the literature in individuals affected with MSH3-related conditions. An algorithm developed to predict the effect of missense changes on protein structure and function (PolyPhen-2) suggests that this variant is likely to be tolerated. In summary, the available evidence is currently insufficient to determine the role of this variant in disease. Therefore, it has been classified as a Variant of Uncertain Significance.

NM_002439.5(MSH3):c.3395A>T (p.Gln1132Leu)

Gene: MSH3 (mutS homolog 3; plus strand). Cytogenetic location: 5q14.1.
Variant type: single nucleotide variant.
Coding change: c.3395A>T on transcript NM_002439.5 (MANE Select); coding-DNA position 3395, A replaced by T.
Protein change: p.Gln1132Leu; replaces glutamine 1132 with leucine.
Molecular consequence: missense variant.
Genome position (GRCh38, 1-based): chr5:80,875,843, A>T. VCF-style: chr5-80875843-A-T. GRCh37 (hg19) VCF-style: chr5-80171662-A-T.
Other names: short protein forms Q1132L.
Identifiers: ClinVar variation 3649635 (VCV003649635.2).